The following is an entry in ClinVar:

ClinVar aggregate classification (germline): Uncertain significance (1 of 4 stars; one submission).

Conditions:
Developmental and epileptic encephalopathy 104 (DEE104). Identifiers: MedGen C5774183, MONDO:0031021, OMIM 619970.

Submission:

3billion
Classification: Uncertain significance for Developmental and epileptic encephalopathy 104. Last evaluated: 2025-07-16. Review status: criteria provided, single submitter. Criteria: ACMG Guidelines, 2015. Collection method: clinical testing. Allele origin: germline. Affected: yes.
Comment: The variant is not observed in the gnomAD v4.1.0 dataset. Predicted Consequence/Location: Missense variant In silico tool predictions suggest damaging effect of the variant on gene or gene product [REVEL: 0.79 (>=0.6, sensitivity 0.68 and specificity 0.92)]. Therefore, this variant is classified as VUS according to the recommendation of ACMG/AMP guideline.

NM_001130021.3(ATP6V0A1):c.2141G>T (p.Gly714Val)

Gene: ATP6V0A1 (ATPase H+ transporting V0 subunit a1; plus strand). Cytogenetic location: 17q21.2.
Variant type: single nucleotide variant.
Coding change: c.2141G>T on transcript NM_001130021.3 (MANE Select); coding-DNA position 2141, G replaced by T.
Protein change: p.Gly714Val; replaces glycine 714 with valine.
Molecular consequence: missense variant.
Genome position (GRCh38, 1-based): chr17:42,513,871, G>T. VCF-style: chr17-42513871-G-T. GRCh37 (hg19) VCF-style: chr17-40665889-G-T.
Other names: c.1895G>T, p.Gly632Val (NM_001378548.1); c.1961G>T, p.Gly654Val (NM_001378549.1); c.2015G>T, p.Gly672Val (NM_001378550.1, NM_001378556.1, NM_001378557.1 and 1 more transcripts); c.2246G>T, p.Gly749Val (NM_001378551.1, NM_001378552.1); c.1913G>T, p.Gly638Val (NM_001378554.1); c.2123G>T, p.Gly708Val (NM_005177.5, NM_001378544.1); c.2036G>T, p.Gly679Val (NM_001378523.1); c.2339G>T, p.Gly780Val (NM_001378530.1); and 15 more; short protein forms G632V, G637V, G638V, G643V, G644V, G654V, G655V, G665V.
Identifiers: ClinVar variation 4855903 (VCV004855903.1).